The following is an entry in ClinVar:

NM_025114.4(CEP290):c.6869dup (p.Asn2290fs)

Gene: CEP290 (centrosomal protein 290; minus strand). Cytogenetic location: 12q21.32.
Variant type: Duplication.
Coding change: c.6869dup on transcript NM_025114.4 (MANE Select); coding-DNA position 6869, one base duplicated (A; older notation c.6869dupA).
Protein change: p.Asn2290fs; shifts the reading frame from asparagine 2290.
Molecular consequence: frameshift variant.
Genome position (GRCh38, 1-based): chr12:88,055,667, T duplicated on the plus strand (A on the coding strand, the reverse complement: CEP290 is on the minus strand); the first of 8 consecutive T bases (chr12:88,055,667-88,055,674); duplicating any one gives the same sequence. VCF-style (leftmost placement, unchanged base first): chr12-88055666-A-AT. GRCh37 (hg19) VCF-style: chr12-88449443-A-AT.
Other names: c.6869dupA (NM_025114.4, NM_025114.3); short protein forms N2290fs.
Identifiers: ClinVar variation 156386 (VCV000156386.26), dbSNP rs587783017, ClinGen allele CA345953.
Genomic context (GRCh38, chr12:88,055,666, plus strand): 5'-AACTTTTTGTTCTCTCTCTGTTGCTTCTTTTACAAGCTGTTTAAGGTCAGTAATGCTTTG[A>AT]TTTTTTTTGGCAATATCAGTTTCCAATTCTTTTAACTTGGTTTCATACATTCTAAAAGTA-3'

ClinVar aggregate classification (germline): Pathogenic. Review status: criteria provided, multiple submitters, no conflicts (2 of 4 stars). 13 submissions from 13 submitters: Pathogenic (12). 1 of the submissions does not count toward it. Last evaluated 2026-08-06.

Conditions:
Inborn genetic diseases. Identifiers: MedGen C0950123, MeSH D030342.
Meckel-Gruber syndrome. Also called: Dysencephalia splachnocystica; DYSENCEPHALIA SPLANCHNOCYSTICA; GRUBER SYNDROME. Identifiers: Orphanet 564, MedGen C0265215, MONDO:0018921.
Joubert syndrome. Also called: Familial aplasia of the vermis; JOUBERT-BOLTSHAUSER SYNDROME. Identifiers: Orphanet 475, MedGen C5979921, MONDO:0018772.
Nephronophthisis. Also called: Juvenile Nephronophthisis. Identifiers: Orphanet 655, MedGen C0687120, MONDO:0019005, HP:0000090.
CEP290-related disorder. Also called: CEP290-related condition; CEP290-related disorders. Identifiers: MedGen CN239314.
Leber congenital amaurosis 10 (LCA10). Identifiers: Orphanet 65, MedGen C1857821, MONDO:0012723, OMIM 611755.
Senior-Loken syndrome 6 (SLSN6). Identifiers: Orphanet 3156, MedGen C1857779, MONDO:0012433, OMIM 610189.
Meckel syndrome, type 4 (MKS4). Also called: MECKEL-GRUBER SYNDROME, TYPE 4. Identifiers: Orphanet 564, MedGen C1970161, MONDO:0012626, OMIM 611134.
Bardet-Biedl syndrome 14 (BBS14). Identifiers: Orphanet 110, MedGen C2673874, MONDO:0014442, OMIM 615991.
Joubert syndrome 5 (JBTS5). Identifiers: Orphanet 2318, MedGen C1857780, MONDO:0012432, OMIM 610188.
Leber congenital amaurosis (LCA). Also called: Leber's amaurosis. Identifiers: Orphanet 65, MedGen C0339527, MeSH D057130, MONDO:0018998.

Submissions (13):

OLLIN Analises Genomicas, OLLIN
Classification: Pathogenic for Senior-Loken syndrome 6. Last evaluated: 2026-08-06. Review status: criteria provided, single submitter. Criteria: ACMG Guidelines 2015 PMID 25741868. Collection method: clinical testing. Allele origin: germline. Inheritance: Autosomal recessive inheritance.
Comment: This frameshift variant, located in exon 50 (of 54), has been reported in ClinVar (accession VCV000654872.16) and in gnomAD with an allele frequency of 0.0056%. However, to our knowledge, it has not been reported in the scientific literature. This variant causes a frameshift and introduces a premature stop codon, which is predicted to result in either a truncated protein or degradation of the mRNA via nonsense-mediated decay (NMD). According to the currently available evidence, this variant has been classified as pathogenic (PVS1, PM3_S, PM2_P).

PreventionGenetics, part of Exact Sciences
Classification: Pathogenic for CEP290-related condition. Last evaluated: 2026-06-10. Review status: criteria provided, single submitter. Criteria: ACMG Guidelines, 2015. Collection method: clinical testing. Allele origin: germline.
Comment: The CEP290 c.6869dupA variant is predicted to result in a frameshift and premature protein termination (p.Asn2290Lysfs*6). This variant was reported in individuals with Leber congenital amaurosis/inherited retinal degenerations (see for example: reported as c.6869_6870insA in Table 2, Seong et al. 2015. PubMed ID: 25445212; Table S2, Zampaglione et al 2020. PubMed ID: 32037395). This variant is reported in 0.078% of alleles in individuals of South Asian descent in gnomAD. Frameshift variants in CEP290 are expected to be pathogenic. This variant is interpreted as pathogenic.

Labcorp Genetics (formerly Invitae), Labcorp
Classification: Pathogenic for Joubert syndrome; Meckel-Gruber syndrome; Nephronophthisis. Last evaluated: 2026-01-09. Review status: criteria provided, single submitter. Criteria: Invitae Variant Classification Sherloc (09022015). Collection method: clinical testing. Allele origin: germline.
Comment: This sequence change creates a premature translational stop signal (p.Asn2290Lysfs*6) in the CEP290 gene. It is expected to result in an absent or disrupted protein product. Loss-of-function variants in CEP290 are known to be pathogenic (PMID: 16909394, 17345604, 20690115). The frequency data for this variant in the population databases is considered unreliable, as metrics indicate poor data quality at this position in the gnomAD database. This premature translational stop signal has been observed in individual(s) with Leber congenital amaurosis (PMID: 25445212). This variant is also known as c.6869_6870insA. ClinVar contains an entry for this variant (Variation ID: 156386). For these reasons, this variant has been classified as Pathogenic.

Natera, Inc.
Classification: Pathogenic for Leber congenital amaurosis. Last evaluated: 2025-08-11. Review status: criteria provided, single submitter. Criteria: Natera Variant Classification Schema (03/2026). Collection method: clinical testing. Allele origin: germline.
Comment: The c.6869dupA variant in CEP290 is a frameshift variant predicted to shift the reading frame beginning at codon 2290 and leads to a stop codon 6 codons downstream. This variant is expected to result in nonsense mediated decay, truncation, or a dysfunctional protein product. This variant is rare in the general population with a frequency below the threshold expected for the associated phenotype(s). This variant has been observed in one or more individuals affected with the associated recessive disease, as either homozygous or compound heterozygous with a second variant (PMID: 25445212). Given the available evidence, this variant is classified as Pathogenic.

GeneDx
Classification: Pathogenic. Last evaluated: 2025-04-29. Review status: criteria provided, single submitter. Criteria: GeneDx Variant Classification Process June 2021. Collection method: clinical testing. Allele origin: germline.
Comment: Frameshift variant predicted to result in protein truncation or nonsense mediated decay in a gene for which loss of function is a known mechanism of disease; Not observed at significant frequency in large population cohorts (gnomAD); This variant is associated with the following publications: (PMID: 31589614, 34715865, 32037395, 25445212, 31884610, 38219857)

Revvity Omics, Revvity
Classification: Pathogenic. Last evaluated: 2025-01-06. Review status: criteria provided, single submitter. Criteria: ACMG Guidelines, 2015. Collection method: clinical testing. Allele origin: germline.

Ambry Genetics
Classification: Pathogenic for Inborn genetic diseases. Last evaluated: 2024-11-04. Review status: criteria provided, single submitter. Criteria: Ambry Variant Classification Scheme 2023. Collection method: clinical testing. Allele origin: germline.
Comment: The c.6869dupA (p.N2290Kfs*6) alteration, located in exon 50 (coding exon 49) of the CEP290 gene, consists of a duplication of A at position 6869, causing a translational frameshift with a predicted alternate stop codon after 6 amino acids. This alteration is expected to result in loss of function by premature protein truncation or nonsense-mediated mRNA decay. Based on data from gnomAD, the c.6869dupA allele has an overall frequency of 0.027% (44/161872) total alleles studied. The highest observed frequency was 0.078% (15/19170) of South Asian alleles. This variant has been identified in the homozygous state and/or in conjunction with other CEP290 variant(s) in individual(s) with features consistent with CEP290-related ciliopathy; in at least one instance, the variants were identified in trans (Seong, 2015; Barny, 2019). Based on the available evidence, this alteration is classified as pathogenic.

3billion
Classification: Pathogenic for CEP290-related disorder. Last evaluated: 2024-07-26. Review status: criteria provided, single submitter. Criteria: ACMG Guidelines, 2015. Collection method: clinical testing. Allele origin: germline. Affected: yes.
Comment: The variant is observed at an extremely low frequency in the gnomAD v4.0.0 dataset (total allele frequency: 0.006%). Predicted Consequence/Location: Frameshift: predicted to result in a loss or disruption of normal protein function through nonsense-mediated decay (NMD) or protein truncation. Multiple pathogenic variants are reported downstream of the variant. The variant has been reported at least twice as pathogenic without evidence for the classification (ClinVar ID: VCV000156386 /PMID: 25445212 /3billion dataset). Therefore, this variant is classified as Pathogenic according to the recommendation of ACMG/AMP guideline.

Fulgent Genetics
Classification: Pathogenic for Joubert syndrome 5; Senior-Loken syndrome 6; Meckel syndrome, type 4; Leber congenital amaurosis 10; Bardet-Biedl syndrome 14. Last evaluated: 2024-04-08. Review status: criteria provided, single submitter. Criteria: ACMG Guidelines, 2015. Collection method: clinical testing. Allele origin: germline.

Baylor Genetics
Classification: Pathogenic for Bardet-Biedl syndrome 14. Last evaluated: 2024-03-23. Review status: criteria provided, single submitter. Criteria: ACMG Guidelines, 2015. Collection method: clinical testing. Allele origin: unknown.

Women's Health and Genetics/Laboratory Corporation of America, LabCorp
Classification: Pathogenic for CEP290-related disorder. Last evaluated: 2022-06-30. Review status: criteria provided, single submitter. Criteria: LabCorp Variant Classification Summary - May 2015. Collection method: clinical testing. Allele origin: germline.
Comment: Variant summary: CEP290 c.6869dupA (p.Asn2290LysfsX6) results in a premature termination codon, predicted to cause a truncation of the encoded protein or absence of the protein due to nonsense mediated decay, which are commonly known mechanisms for disease. Truncations downstream of this position have been classified as pathogenic by our laboratory. The variant allele was found at a frequency of 0.00027 in 161872 control chromosomes. c.6869dupA has been reported in the literature in individuals affected with CEP290-Related Disorders. These data indicate that the variant may be associated with disease. Three clinical diagnostic laboratories have submitted clinical-significance assessments for this variant to ClinVar after 2014 without evidence for independent evaluation. All laboratories classified the variant as pathogenic. Based on the evidence outlined above, the variant was classified as pathogenic.

Blueprint Genetics
Classification: Pathogenic for CEP290-related disorders. Last evaluated: 2022-04-19. Review status: criteria provided, single submitter. Criteria: ACMG Guidelines, 2015. Collection method: clinical testing. Allele origin: germline. Affected: yes. Observed: 5 variant alleles.

Molecular Diagnostics Laboratory, Seoul National University Hospital
Classification: Pathogenic for Leber congenital amaurosis 10. Last evaluated: 2014-09-18. Review status: no assertion criteria provided. Collection method: clinical testing. Allele origin: unknown. Affected: yes. Not counted in ClinVar's aggregate classification.

Literature cited by the submitters: PubMed 16909394 (cited by Labcorp Genetics (formerly Invitae), Labcorp); PubMed 17345604 (cited by Labcorp Genetics (formerly Invitae), Labcorp); PubMed 20690115 (cited by Labcorp Genetics (formerly Invitae), Labcorp); PubMed 25445212 (cited by 4 submitters); PubMed 31884610 (cited by Ambry Genetics and Women's Health and Genetics/Laboratory Corporation of America, LabCorp); PubMed 32037395 (cited by Women's Health and Genetics/Laboratory Corporation of America, LabCorp).